The following is an entry in ClinVar:

NM_024675.4(PALB2):c.2586G>A (p.Lys862=)

Gene: PALB2 (partner and localizer of BRCA2; minus strand). Cytogenetic location: 16p12.2.
Variant type: single nucleotide variant.
Coding change: c.2586G>A on transcript NM_024675.4 (MANE Select); coding-DNA position 2586, G replaced by A.
Protein change: p.Lys862=; no amino-acid change (lysine 862 retained).
Molecular consequence: synonymous variant. On other transcripts: intron variant (1).
Genome position (GRCh38, 1-based): chr16:23,629,204, C>T on the plus strand (G>A on the coding strand, the complement: PALB2 is on the minus strand). VCF-style: chr16-23629204-C-T. GRCh37 (hg19) VCF-style: chr16-23640525-C-T.
Other names: c.2526G>A, p.Lys842= (NM_001407296.1); c.2586G>A, p.Lys862= (NM_001407298.1, NM_001407299.1, NM_001407300.1 and 2 more transcripts); c.1701G>A, p.Lys567= (NM_001407304.1, NM_001407305.1, NM_001407306.1 and 5 more transcripts); c.798G>A, p.Lys266= (NM_001407312.1, NM_001407313.1); c.120G>A, p.Lys40= (NM_001407314.1); c.2514+436G>A (NM_001407297.1).
Identifiers: ClinVar variation 3370311 (VCV003370311.2).

ClinVar aggregate classification (germline): Uncertain significance. Review status: criteria provided, multiple submitters, no conflicts (2 of 4 stars). 2 submissions from 2 submitters: Uncertain significance (2). Last evaluated 2025-05-22.

Conditions:
Diffuse pediatric-type high-grade glioma, H3-wildtype and IDH-wildtype. Identifiers: MedGen C5669918, MONDO:0858939.
Hereditary cancer-predisposing syndrome. Also called: Tumor predisposition; Neoplastic Syndromes, Hereditary; Hereditary neoplastic syndrome; Hereditary Cancer Syndrome. Identifiers: Orphanet 140162, MedGen C0027672, MeSH D009386, MONDO:0015356.

Submissions (2):

Ambry Genetics
Classification: Uncertain significance for Hereditary cancer-predisposing syndrome. Last evaluated: 2025-05-22. Review status: criteria provided, single submitter. Criteria: Ambry Variant Classification Scheme 2023. Collection method: clinical testing. Allele origin: germline.
Comment: The c.2586G>A variant (also known as p.K862K), located in coding exon 6 of the PALB2 gene, results from a G to A substitution at nucleotide position 2586. This nucleotide substitution does not change the amino acid at codon 862. However, this change occurs in the last base pair of coding exon 6, which makes it likely to have some effect on normal mRNA splicing. This nucleotide position is highly conserved in available vertebrate species. In silico splice site analysis predicts that this alteration will weaken the native splice donor site; however, direct evidence is insufficient at this time (Ambry internal data). Based on the available evidence, the clinical significance of this variant remains unclear.

Laboratory of Medical Genetics Unit, Bambino Gesù Children's Hospital
Classification: Uncertain significance for Diffuse pediatric-type high-grade glioma, H3-wildtype and IDH-wildtype. Review status: criteria provided, single submitter. Criteria: ACMG Guidelines, 2015. Collection method: research. Allele origin: germline. Affected: yes. Observed: 1 heterozygote.